The following is an entry in ClinVar:

ClinVar aggregate classification (germline): Likely pathogenic (1 of 4 stars; one submission).

Conditions:
Neurodevelopmental disorder with hypotonia, seizures, and absent language (NDHSAL). Identifiers: MedGen C4310643, MONDO:0014995, OMIM 617268.

Submission:

Gansu Provincial Maternity and Child Care Hospital
Classification: Likely pathogenic for Neurodevelopmental disorder with hypotonia, seizures, and absent language. Last evaluated: 2026-06-02. Review status: criteria provided, single submitter. Criteria: ACMG Guidelines, 2015. Collection method: clinical testing. Allele origin: de novo. Inheritance: Autosomal dominant inheritance. Affected: yes.
Comment: The c.4505G>C variant is a missense variant. Parental verification confirmed it as a de novo variant (PS2). This site is not recorded in the gnomAD database (PM2_supporting).Multiple in silico tools predicted a deleterious effect (PP3).This variant is classified as Likely pathogenic.

NM_001348768.2(HECW2):c.4505G>C (p.Gly1502Ala)

Gene: HECW2 (HECT, C2 and WW domain containing E3 ubiquitin protein ligase 2; minus strand). Cytogenetic location: 2q32.3.
Variant type: single nucleotide variant.
Coding change: c.4505G>C on transcript NM_001348768.2 (MANE Select); coding-DNA position 4505, G replaced by C.
Protein change: p.Gly1502Ala; replaces glycine 1502 with alanine.
Molecular consequence: missense variant.
Genome position (GRCh38, 1-based): chr2:196,215,967, C>G on the plus strand (G>C on the coding strand, the complement: HECW2 is on the minus strand). VCF-style: chr2-196215967-C-G. GRCh37 (hg19) VCF-style: chr2-197080691-C-G.
Other names: c.3437G>C, p.Gly1146Ala (NM_001304840.3); c.4505G>C, p.Gly1502Ala (NM_020760.4); short protein forms G1146A, G1502A.
Identifiers: ClinVar variation 4856394 (VCV004856394.1).